The following is an entry in ClinVar:

ClinVar aggregate classification (germline): Uncertain significance (1 of 4 stars; one submission).

Submission:

Labcorp Genetics (formerly Invitae), Labcorp
Classification: Uncertain significance. Last evaluated: 2025-03-04. Review status: criteria provided, single submitter. Criteria: Invitae Variant Classification Sherloc (09022015). Collection method: clinical testing. Allele origin: germline.
Comment: This sequence change replaces histidine, which is basic and polar, with asparagine, which is neutral and polar, at codon 78 of the PACS2 protein (p.His78Asn). This variant is not present in population databases (gnomAD no frequency). This variant has not been reported in the literature in individuals affected with PACS2-related conditions. An algorithm developed to predict the effect of missense changes on protein structure and function (PolyPhen-2) suggests that this variant is likely to be tolerated. In summary, the available evidence is currently insufficient to determine the role of this variant in disease. Therefore, it has been classified as a Variant of Uncertain Significance.

NM_001100913.3(PACS2):c.232C>A (p.His78Asn)

Gene: PACS2 (phosphofurin acidic cluster sorting protein 2; plus strand). Cytogenetic location: 14q32.33.
Variant type: single nucleotide variant.
Coding change: c.232C>A on transcript NM_001100913.3 (MANE Select); coding-DNA position 232, C replaced by A.
Protein change: p.His78Asn; replaces histidine 78 with asparagine.
Molecular consequence: missense variant.
Genome position (GRCh38, 1-based): chr14:105,352,402, C>A. VCF-style: chr14-105352402-C-A. GRCh37 (hg19) VCF-style: chr14-105818739-C-A.
Other names: c.31C>A, p.His11Asn (NM_001243127.3); c.232C>A, p.His78Asn (NM_015197.4); short protein forms H11N, H78N.
Identifiers: ClinVar variation 4714346 (VCV004714346.1).
Genomic context (GRCh38, chr14:105,352,402, plus strand): 5'-GTCCTTTGAGCTAGAACAGGTCTTGCTTAATCACAGGGCTCCAAACGAATCCTGCGGTCC[C>A]ATGAGATTGTGCTGCCCCCCAGTGGACAAGTGGAGACAGACCTGGCCCTGACCTTCTCCT-3'
Protein context (NP_001094383.2, residues 68-88): MQGSKRILRS[His78Asn]EIVLPPSGQV